The following is an entry in ClinVar:

ClinVar aggregate classification (germline): Uncertain significance. Review status: criteria provided, multiple submitters, no conflicts (2 of 4 stars). 3 submissions from 3 submitters: Uncertain significance (3). Last evaluated 2026-07-20.

Conditions:
Inborn genetic diseases. Identifiers: MedGen C0950123, MeSH D030342.
Biotinidase deficiency. Also called: BTD deficiency; Late-onset biotin-responsive multiple carboxylase deficiency; Biotin deficiency. Identifiers: Orphanet 79241, MedGen C0220754, MONDO:0009665, OMIM 253260.

Allele frequency attached by ClinVar (database versions not stated): 1000 Genomes Project 30x 0.00031; gnomAD exomes below 0.00001; ExAC 0.00001; 1000 Genomes Project 0.00020.
gnomAD v4.1: 2 of 1,614,164 alleles (0.00012%); highest among the groups gnomAD compares: African/African-American, 0.0013%; no homozygotes.

Submissions (3):

Ambry Genetics
Classification: Uncertain significance for Inborn genetic diseases. Last evaluated: 2026-07-20. Review status: criteria provided, single submitter. Criteria: Ambry Variant Classification Scheme 2023. Collection method: clinical testing. Allele origin: germline.
Comment: The c.1349A>C (p.H450P) alteration is located in exon 4 (coding exon 4) of the BTD gene. This alteration results from a A to C substitution at nucleotide position 1349, causing the histidine (H) at amino acid position 450 to be replaced by a proline (P). Based on data from gnomAD, the C allele has an overall frequency of <0.001% (1/251434) total alleles studied. The highest observed frequency was 0.006% (1/16254) of African alleles. Based on insufficient or conflicting evidence, the clinical significance of this alteration remains unclear.

Quest Diagnostics Nichols Institute San Juan Capistrano
Classification: Uncertain significance. Last evaluated: 2025-05-12. Review status: criteria provided, single submitter. Criteria: Quest Diagnostics criteria. Collection method: clinical testing. Allele origin: unknown.
Comment: The BTD c.1349A>C (p.His450Pro) variant has not been reported in individuals with BTD-related conditions in the published literature. The frequency of this variant in the general population (Genome Aggregation Database) is uninformative in the assessment of its pathogenicity. Analysis of this variant using bioinformatics tools for the prediction of the effect of amino acid changes on protein structure and function yielded predictions that this variant is damaging. Based on the available information, we are unable to determine the clinical significance of this variant.

Labcorp Genetics (formerly Invitae), Labcorp
Classification: Uncertain significance for Biotinidase deficiency. Last evaluated: 2021-07-31. Review status: criteria provided, single submitter. Criteria: Invitae Variant Classification Sherloc (09022015). Collection method: clinical testing. Allele origin: germline.
Comment: In summary, the available evidence is currently insufficient to determine the role of this variant in disease. Therefore, it has been classified as a Variant of Uncertain Significance. Algorithms developed to predict the effect of missense changes on protein structure and function are either unavailable or do not agree on the potential impact of this missense change (SIFT: "Deleterious"; PolyPhen-2: "Possibly Damaging"; Align-GVGD: "Class C0"). This variant has not been reported in the literature in individuals with BTD-related conditions. This variant is present in population databases (rs559136372, ExAC 0.01%). This sequence change replaces histidine with proline at codon 450 of the BTD protein (p.His450Pro). The histidine residue is moderately conserved and there is a moderate physicochemical difference between histidine and proline.

NM_001370658.1(BTD):c.1289A>C (p.His430Pro)

Gene: BTD (biotinidase; plus strand). Cytogenetic location: 3p25.1.
Variant type: single nucleotide variant.
Coding change: c.1289A>C on transcript NM_001370658.1 (MANE Select); coding-DNA position 1289, A replaced by C.
Protein change: p.His430Pro; replaces histidine 430 with proline.
Molecular consequence: missense variant. On other transcripts: intron variant (2).
Genome position (GRCh38, 1-based): chr3:15,645,205, A>C. VCF-style: chr3-15645205-A-C. GRCh37 (hg19) VCF-style: chr3-15686712-A-C.
Other names: c.1349A>C, p.His450Pro (NM_000060.4); c.1289A>C, p.His430Pro (NM_001281723.4, NM_001281724.3, NM_001281725.3 and 16 more transcripts); c.1015+274A>C (NM_001370752.1); c.399+3148A>C (NM_001370753.1); c.1349A>C (NM_000060.2); short protein forms H430P, H450P.
Identifiers: ClinVar variation 1523334 (VCV001523334.12), dbSNP rs559136372, ClinGen allele CA2277459.